The following is an entry in ClinVar:

NM_001382567.1(STIM1):c.1270C>T (p.Arg424Trp)

Gene: STIM1 (stromal interaction molecule 1; plus strand). Cytogenetic location: 11p15.4.
Variant type: single nucleotide variant.
Coding change: c.1270C>T on transcript NM_001382567.1 (MANE Select); coding-DNA position 1270, C replaced by T.
Protein change: p.Arg424Trp; replaces arginine 424 with tryptophan.
Molecular consequence: missense variant. On other transcripts: non-coding transcript variant (2).
Genome position (GRCh38, 1-based): chr11:4,083,294, C>T. VCF-style: chr11-4083294-C-T. GRCh37 (hg19) VCF-style: chr11-4104524-C-T.
Other names: c.1270C>T, p.Arg424Trp (NM_001277961.3, NM_001277962.2, NM_003156.4); c.1048C>T, p.Arg350Trp (NM_001382566.1, NM_001382573.1, NM_001382575.1 and 4 more transcripts); c.1291C>T, p.Arg431Trp (NM_001382568.1); c.1135C>T, p.Arg379Trp (NM_001382569.1); c.1042C>T, p.Arg348Trp (NM_001382570.1); c.790C>T, p.Arg264Trp (NM_001382571.1); c.781C>T, p.Arg261Trp (NM_001382580.1, NM_001382581.1); short protein forms R261W, R264W, R379W, R424W, R431W, R348W, R350W.
Identifiers: ClinVar variation 1500742 (VCV001500742.8), dbSNP rs200892145, ClinGen allele CA379194094.

ClinVar aggregate classification (germline): Uncertain significance (1 of 4 stars; one submission).

Conditions:
Stormorken syndrome (STRMK). Also called: THROMBOCYTOPATHY, ASPLENIA, AND MIOSIS. Identifiers: Orphanet 3204, MedGen C1861451, MONDO:0008497, OMIM 185070.
Myopathy with tubular aggregates (TAM). Also called: Tubular Aggregate Myopathy. Identifiers: Orphanet 2593, MedGen C0410207, MONDO:0008051.
Combined immunodeficiency due to STIM1 deficiency. Also called: STIM1 DEFICIENCY; IMMUNODEFICIENCY 10. Identifiers: Orphanet 169090, Orphanet 317430, MedGen C2748557, MONDO:0013008, OMIM 612783.

Allele frequency attached by ClinVar (database versions not stated): gnomAD 0.00001.
gnomAD v4.1: 8 of 1,614,088 alleles (0.0005%); highest among the groups gnomAD compares: East Asian, 0.0022%; no homozygotes.

Submission:

Labcorp Genetics (formerly Invitae), Labcorp
Classification: Uncertain significance for Myopathy with tubular aggregates; Combined immunodeficiency due to STIM1 deficiency; Stormorken syndrome. Last evaluated: 2024-09-04. Review status: criteria provided, single submitter. Criteria: Invitae Variant Classification Sherloc (09022015). Collection method: clinical testing. Allele origin: germline.
Comment: This sequence change replaces arginine, which is basic and polar, with tryptophan, which is neutral and slightly polar, at codon 424 of the STIM1 protein (p.Arg424Trp). This variant is present in population databases (no rsID available, gnomAD 0.0008%). This variant has not been reported in the literature in individuals affected with STIM1-related conditions. ClinVar contains an entry for this variant (Variation ID: 1500742). Invitae Evidence Modeling of protein sequence and biophysical properties (such as structural, functional, and spatial information, amino acid conservation, physicochemical variation, residue mobility, and thermodynamic stability) has been performed for this missense variant. However, the output from this modeling did not meet the statistical confidence thresholds required to predict the impact of this variant on STIM1 protein function. Experimental studies have shown that this missense change affects STIM1 function (PMID: 32098964). In summary, the available evidence is currently insufficient to determine the role of this variant in disease. Therefore, it has been classified as a Variant of Uncertain Significance.

Literature cited by the submitters: PubMed 32098964.